The following is an entry in ClinVar:

NM_000270.4(PNP):c.180A>G (p.Thr60=)

Gene: PNP (purine nucleoside phosphorylase; plus strand). Cytogenetic location: 14q11.2.
Variant type: single nucleotide variant.
Coding change: c.180A>G on transcript NM_000270.4 (MANE Select); coding-DNA position 180, A replaced by G.
Protein change: p.Thr60=; no amino-acid change (threonine 60 retained).
Molecular consequence: synonymous variant.
Genome position (GRCh38, 1-based): chr14:20,472,476, A>G. VCF-style: chr14-20472476-A-G. GRCh37 (hg19) VCF-style: chr14-20940635-A-G.
Identifiers: ClinVar variation 1913327 (VCV001913327.3), dbSNP rs774626138, ClinGen allele CA7082018.
Genomic context (GRCh38, chr14:20,472,476, plus strand): 5'-TAAATTAACTCAGGCCCAGATCTTTGACTACGGTGAAATCCCCAACTTTCCCCGAAGTAC[A>G]GGTACTGGCAAGGGAAAGTGGGGAATGGGACTGAGGGATGTTCTTGGAATTCTGTGGAAC-3'
Protein context (NP_000261.2, residues 50-70): YGEIPNFPRS[Thr60=]VPGHAGRLVF

ClinVar aggregate classification (germline): Uncertain significance. Review status: criteria provided, multiple submitters, no conflicts (2 of 4 stars). 2 submissions from 2 submitters: Uncertain significance (2). Last evaluated 2024-09-18.

Conditions:
Purine-nucleoside phosphorylase deficiency. Also called: Immunodeficiency due to purine nucleoside phosphorylase deficiency; NUCLEOSIDE PHOSPHORYLASE DEFICIENCY. Identifiers: Orphanet 760, MedGen C0268125, MONDO:0013171, OMIM 613179.

Allele frequency attached by ClinVar (database versions not stated): gnomAD 0.00001; gnomAD exomes 0.00001; TOPMed 0.00001; ExAC 0.00002.
gnomAD v4.1: 11 of 1,613,576 alleles (0.00068%); highest among the groups gnomAD compares: Non-Finnish European, 0.00093%; no homozygotes.

Submissions (2):

Blueprint Genetics
Classification: Uncertain significance. Last evaluated: 2024-09-18. Review status: criteria provided, single submitter. Criteria: ACMG Guidelines, 2015. Collection method: clinical testing. Allele origin: germline.

Labcorp Genetics (formerly Invitae), Labcorp
Classification: Uncertain significance for Purine-nucleoside phosphorylase deficiency. Last evaluated: 2021-12-31. Review status: criteria provided, single submitter. Criteria: Invitae Variant Classification Sherloc (09022015). Collection method: clinical testing. Allele origin: germline.
Comment: This sequence change affects codon 60 of the PNP mRNA. It is a 'silent' change, meaning that it does not change the encoded amino acid sequence of the PNP protein. It affects a nucleotide within the consensus splice site. This variant is present in population databases (rs774626138, gnomAD 0.002%). This variant has not been reported in the literature in individuals affected with PNP-related conditions. Algorithms developed to predict the effect of sequence changes on RNA splicing suggest that this variant may disrupt the consensus splice site. In summary, the available evidence is currently insufficient to determine the role of this variant in disease. Therefore, it has been classified as a Variant of Uncertain Significance.